The following is an entry in ClinVar:

NM_199420.4(POLQ):c.6527A>G (p.Gln2176Arg)

Gene: POLQ (DNA polymerase theta; minus strand). Cytogenetic location: 3q13.33.
Variant type: single nucleotide variant.
Coding change: c.6527A>G on transcript NM_199420.4 (MANE Select); coding-DNA position 6527, A replaced by G.
Protein change: p.Gln2176Arg; replaces glutamine 2176 with arginine.
Molecular consequence: missense variant.
Genome position (GRCh38, 1-based): chr3:121,473,366, T>C on the plus strand (A>G on the coding strand, the complement: POLQ is on the minus strand). VCF-style: chr3-121473366-T-C. GRCh37 (hg19) VCF-style: chr3-121192213-T-C.
Other names: short protein forms Q2176R.
Identifiers: ClinVar variation 1754050 (VCV001754050.3), dbSNP rs760619822, ClinGen allele CA2562453.
Genomic context (GRCh38, chr3:121,473,366, plus strand): 5'-GTAGTTTAGGTTCTGCCCTGCTCTGTGACTGCCCCAAAGAGCACCTTACTAGTGCTGAAC[T>C]GTCTTCCCAGCCTTAGCTTGCGTCCATTGTCAATCCCTCTTCTGGTAGAACCCAGAGTTT-3'
Protein context (NP_955452.3, residues 2166-2186): DNGRKLRLGR[Gln2176Arg]FSTSKDVLNK

ClinVar aggregate classification (germline): Uncertain significance (1 of 4 stars; one submission).

Allele frequency attached by ClinVar (database versions not stated): gnomAD exomes below 0.00001; ExAC 0.00001.
gnomAD v4.1: 2 of 1,613,918 alleles (0.00012%); highest among the groups gnomAD compares: South Asian, 0.0022%; no homozygotes.

Submission:

Ambry Genetics
Classification: Uncertain significance. Last evaluated: 2024-06-17. Review status: criteria provided, single submitter. Criteria: Ambry Variant Classification Scheme 2023. Collection method: clinical testing. Allele origin: germline.
Comment: The p.Q2176R variant (also known as c.6527A>G), located in coding exon 21 of the POLQ gene, results from an A to G substitution at nucleotide position 6527. The glutamine at codon 2176 is replaced by arginine, an amino acid with highly similar properties. This amino acid position is conserved. In addition, this alteration is predicted to be tolerated by in silico analysis. Since supporting evidence is limited at this time, the clinical significance of this alteration remains unclear.